The following is an entry in ClinVar:

ClinVar aggregate classification (germline): Uncertain significance (1 of 4 stars; one submission).

Conditions:
Cardiac arrhythmia. Also called: Cardiac rhythm disease; Arrhythmia. Identifiers: MedGen C0003811, MONDO:0007263, HP:0011675.

Allele frequency attached by ClinVar (database versions not stated): gnomAD exomes below 0.00001.
gnomAD v4.1: 1 of 1,614,250 alleles (0.000062%); highest among the groups gnomAD compares: Non-Finnish European, 0.000085%; no homozygotes.

Submission:

Color Diagnostics, LLC DBA Color Health
Classification: Uncertain significance for Cardiac arrhythmia. Last evaluated: 2019-09-24. Review status: criteria provided, single submitter. Criteria: ACMG Guidelines, 2015. Collection method: clinical testing. Allele origin: germline.
Comment: This missense variant replaces threonine with isoleucine at codon 498 of the KCNQ1 protein. Computational prediction tool suggests that this variant may not impact protein structure and function (internally defined REVEL score threshold ≤0.5, PMID: 27666373). Splice site prediction tools suggest that this variant may not impact RNA splicing. To our knowledge, functional studies have not been performed for this variant. This variant has not been reported in individuals affected with cardiovascular disorders in the literature. This variant has not been identified in the general population by the Genome Aggregation Database (gnomAD). The available evidence is insufficient to determine the role of this variant in disease conclusively. Therefore, this variant is classified as a Variant of Uncertain Significance.

NM_000218.3(KCNQ1):c.1493C>T (p.Thr498Ile)

Genes: KCNQ1 (potassium voltage-gated channel subfamily Q member 1; plus strand), KCNQ1OT1 (KCNQ1 opposite strand/antisense transcript 1; minus strand). Cytogenetic location: 11p15.5.
Variant type: single nucleotide variant.
Coding change: c.1493C>T on transcript NM_000218.3 (MANE Select); coding-DNA position 1493, C replaced by T.
Protein change: p.Thr498Ile; replaces threonine 498 with isoleucine.
Molecular consequence: missense variant.
Genome position (GRCh38, 1-based): chr11:2,662,060, C>T. VCF-style: chr11-2662060-C-T. GRCh37 (hg19) VCF-style: chr11-2683290-C-T.
Other names: c.1112C>T, p.Thr371Ile (NM_181798.2); c.1397C>T, p.Thr466Ile (NM_001406836.1); c.1223C>T, p.Thr408Ile (NM_001406837.1); c.953C>T, p.Thr318Ile (NM_001406838.1); short protein forms T371I, T498I, T408I, T318I, T466I.
Identifiers: ClinVar variation 921824 (VCV000921824.6), dbSNP rs1849968254, ClinGen allele CA379479780.
Genomic context (GRCh38, chr11:2,662,060, plus strand): 5'-ATTTCATGAGAACCAACAGCTTCGCCGAGGACCTGGACCTGGAAGGGGAGACTCTGCTGA[C>T]ACCCATCACCCACATCTCACAGTGAGTGCCTACATGTGCGTGAAGGGCTGGGCTGGAGGG-3'
Protein context (NP_000209.2, residues 488-508): DLDLEGETLL[Thr498Ile]PITHISQLRE